The following is an entry in ClinVar:

ClinVar aggregate classification (germline): Uncertain significance. Review status: criteria provided, multiple submitters, no conflicts (2 of 4 stars). 4 submissions from 4 submitters: Uncertain significance (4). Last evaluated 2026-09-01.

Conditions:
Malignant hyperthermia, susceptibility to, 1 (MHS1). Also called: RYR1-Related Malignant Hyperthermia Susceptibility; Malignant hyperthermia suceptibility 1; Anesthesia related hyperthermia; Malignant hyperpyrexia; Fulminating hyperpyrexia; Pharmacogenic myopathy. Identifiers: Orphanet 423, MedGen C2930980, MONDO:0007783, OMIM 145600.
RYR1-related disorder. Also called: RYR1-related condition; RYR1-related disorders. Identifiers: MedGen CN239331.

Allele frequency attached by ClinVar (database versions not stated): gnomAD 0.00001; TOPMed 0.00002.
gnomAD v4.1: 12 of 1,592,274 alleles (0.00075%); highest among the groups gnomAD compares: Non-Finnish European, 0.001%; no homozygotes.

Submissions (4):

CeGaT Center for Human Genetics Tuebingen
Classification: Uncertain significance. Last evaluated: 2026-09-01. Review status: criteria provided, single submitter. Criteria: CeGaT Center For Human Genetics Tuebingen Variant Classification Criteria Version 2. Collection method: clinical testing. Allele origin: germline. Affected: yes. Observed: 1 variant allele.
Comment: RYR1: PM2, PP3

Labcorp Genetics (formerly Invitae), Labcorp
Classification: Uncertain significance for RYR1-related disorder. Last evaluated: 2024-04-25. Review status: criteria provided, single submitter. Criteria: Invitae Variant Classification Sherloc (09022015). Collection method: clinical testing. Allele origin: germline.
Comment: This sequence change replaces aspartic acid, which is acidic and polar, with histidine, which is basic and polar, at codon 947 of the RYR1 protein (p.Asp947His). This variant is not present in population databases (gnomAD no frequency). This variant has not been reported in the literature in individuals affected with RYR1-related conditions. ClinVar contains an entry for this variant (Variation ID: 2159267). Advanced modeling of protein sequence and biophysical properties (such as structural, functional, and spatial information, amino acid conservation, physicochemical variation, residue mobility, and thermodynamic stability) has been performed at Invitae for this missense variant, however the output from this modeling did not meet the statistical confidence thresholds required to predict the impact of this variant on RYR1 protein function. In summary, the available evidence is currently insufficient to determine the role of this variant in disease. Therefore, it has been classified as a Variant of Uncertain Significance.

Color Diagnostics, LLC DBA Color Health
Classification: Uncertain significance for Malignant hyperthermia, susceptibility to, 1. Last evaluated: 2023-11-08. Review status: criteria provided, single submitter. Criteria: ACMG Guidelines, 2015. Collection method: clinical testing. Allele origin: germline.
Comment: This missense variant replaces aspartic acid with histidine at codon 947 of the RYR1 protein. Computational prediction is inconclusive regarding the impact of this variant on protein structure and function. To our knowledge, functional studies have not been reported for this variant. This variant has not been reported in individuals affected with RYR1-related disorders in the literature. This variant has not been identified in the general population by the Genome Aggregation Database (gnomAD). The available evidence is insufficient to determine the role of this variant in disease conclusively. Therefore, this variant is classified as a Variant of Uncertain Significance.

Blueprint Genetics
Classification: Uncertain significance. Last evaluated: 2023-03-10. Review status: criteria provided, single submitter. Criteria: ACMG Guidelines, 2015. Collection method: clinical testing. Allele origin: germline.

NM_000540.3(RYR1):c.2839G>C (p.Asp947His)

Gene: RYR1 (ryanodine receptor 1; plus strand). Cytogenetic location: 19q13.2.
Variant type: single nucleotide variant.
Coding change: c.2839G>C on transcript NM_000540.3 (MANE Select); coding-DNA position 2839, G replaced by C.
Protein change: p.Asp947His; replaces aspartic acid 947 with histidine.
Molecular consequence: missense variant.
Genome position (GRCh38, 1-based): chr19:38,464,691, G>C. VCF-style: chr19-38464691-G-C. GRCh37 (hg19) VCF-style: chr19-38955331-G-C.
Other names: c.2839G>C, p.Asp947His (NM_001042723.2); short protein forms D947H.
Identifiers: ClinVar variation 2159267 (VCV002159267.6), dbSNP rs1268551950, ClinGen allele CA405633583.